The following is an entry in ClinVar:

NM_020822.3(KCNT1):c.2749A>G (p.Ile917Val)

Gene: KCNT1 (potassium sodium-activated channel subfamily T member 1; plus strand). Cytogenetic location: 9q34.3.
Variant type: single nucleotide variant.
Coding change: c.2749A>G on transcript NM_020822.3 (MANE Select); coding-DNA position 2749, A replaced by G.
Protein change: p.Ile917Val; replaces isoleucine 917 with valine.
Molecular consequence: missense variant.
Genome position (GRCh38, 1-based): chr9:135,779,378, A>G. VCF-style: chr9-135779378-A-G. GRCh37 (hg19) VCF-style: chr9-138671224-A-G.
Other names: c.2614A>G, p.Ile872Val (NM_001272003.2); short protein forms I872V, I917V.
Identifiers: ClinVar variation 1354783 (VCV001354783.8), dbSNP rs2131552837, ClinGen allele CA375515434.
Genomic context (GRCh38, chr9:135,779,378, plus strand): 5'-AACCACCATGGGCCCCGCCCTGAGCCGCCTGCCTCCCCCAGGCTCTTCCCCAGCCTCAGC[A>G]TCACCACGGAGCTCACCCACCCTTCCAACATGCGCTTCATGCAGTTCCGCGCCAAGGACA-3'
Protein context (NP_065873.2, residues 907-927): TMFRLFPSLS[Ile917Val]TTELTHPSNM

ClinVar aggregate classification (germline): Uncertain significance (1 of 4 stars; one submission).

Conditions:
Autosomal dominant nocturnal frontal lobe epilepsy 5. Also called: Epilepsy, nocturnal frontal lobe, 5; CILIARY DYSKINESIA, PRIMARY, 28, WITHOUT SITUS INVERSUS; CILIARY DYSKINESIA, PRIMARY, 28, WITH SITUS INVERSUS; KCNT1-Related Epilepsy. Identifiers: Orphanet 98784, MedGen C3554306, MONDO:0014002, OMIM 615005.
Developmental and epileptic encephalopathy, 14 (DEE14). Also called: Early infantile epileptic encephalopathy 14. Identifiers: Orphanet 293181, MedGen C3554195, MONDO:0013989, OMIM 614959.

Submission:

Labcorp Genetics (formerly Invitae), Labcorp
Classification: Uncertain significance for Autosomal dominant nocturnal frontal lobe epilepsy 5; Developmental and epileptic encephalopathy, 14. Last evaluated: 2022-01-14. Review status: criteria provided, single submitter. Criteria: Invitae Variant Classification Sherloc (09022015). Collection method: clinical testing. Allele origin: germline.
Comment: This sequence change replaces isoleucine, which is neutral and non-polar, with valine, which is neutral and non-polar, at codon 917 of the KCNT1 protein (p.Ile917Val). This variant is not present in population databases (gnomAD no frequency). This variant has not been reported in the literature in individuals affected with KCNT1-related conditions. Algorithms developed to predict the effect of missense changes on protein structure and function (SIFT, PolyPhen-2, Align-GVGD) all suggest that this variant is likely to be tolerated. In summary, the available evidence is currently insufficient to determine the role of this variant in disease. Therefore, it has been classified as a Variant of Uncertain Significance.